The following is an entry in ClinVar:

NM_000488.4(SERPINC1):c.1011A>G (p.Gln337=)

Gene: SERPINC1 (serpin family C member 1; minus strand). Cytogenetic location: 1q25.1.
Variant type: single nucleotide variant.
Coding change: c.1011A>G on transcript NM_000488.4 (MANE Select); coding-DNA position 1011, A replaced by G.
Protein change: p.Gln337=; no amino-acid change (glutamine 337 retained).
Molecular consequence: synonymous variant.
Genome position (GRCh38, 1-based): chr1:173,909,694, T>C on the plus strand (A>G on the coding strand, the complement: SERPINC1 is on the minus strand). VCF-style: chr1-173909694-T-C. GRCh37 (hg19) VCF-style: chr1-173878832-T-C.
Other names: NM_000488.3(SERPINC1):c.1011A>G; p.Gln337=; c.867A>G, p.Gln289= (NM_001365052.2); c.1134A>G, p.Gln378= (NM_001386302.1); c.1092A>G, p.Gln364= (NM_001386303.1); c.990A>G, p.Gln330= (NM_001386304.1); c.954A>G, p.Gln318= (NM_001386305.1); c.795A>G, p.Gln265= (NM_001386306.1).
Identifiers: ClinVar variation 256247 (VCV000256247.23), dbSNP rs5878, ClinGen allele CA1251296.

ClinVar aggregate classification (germline): Benign. Review status: reviewed by expert panel (3 of 4 stars). 9 submissions from 9 submitters: Benign (1). 8 of the submissions do not count toward it. Last evaluated 2023-07-25.

Conditions:
Hereditary antithrombin deficiency (AT3D). Also called: Reduced antithrombin III activity; Antithrombin III deficiency; Thrombophilia due to antithrombin III deficiency; Antithrombin deficiency. Identifiers: Orphanet 82, MedGen C0272375, MONDO:0013144, OMIM 613118, HP:0001976.

Allele frequency attached by ClinVar (database versions not stated): gnomAD exomes 0.39445; ExAC 0.40286; gnomAD 0.47771 and 0.48194; ESP Exome Variant Server 0.48824; TOPMed 0.49655; 1000 Genomes Project 0.53574; 1000 Genomes Project 30x 0.54091.
gnomAD v4.1: 598,825 of 1,613,684 alleles (37%); highest among the groups gnomAD compares: African/African-American, 78%; 120,964 homozygotes.

Submissions (9):

Clingen Thrombosis Variant Curation Expert Panel, ClinGen
Classification: Benign for Hereditary antithrombin deficiency. Last evaluated: 2023-07-25. Review status: reviewed by expert panel. Criteria: ClinGen ACMG Specifications SERPINC1 V1.0.0. Collection method: curation. Allele origin: germline. Inheritance: Autosomal dominant inheritance.
Comment: The variant is reported at a popmax FAF of 0.7651 and the highest MAF of 0.7792 (78%; 19440/24948 alleles with 7592 homozygotes) in the African/African-American population in gnomAD v2.1.1, meeting criteria for BA1 (MAF >0.002). SpliceAI and VarSeak predict no impact on splicing and PhyloP gives a conservation score of 0.028 (<0.1). In summary, this variant meets criteria to be classified as benign. ACMG/AMP criteria applied, as specified by the Thrombosis Variant Curation Expert Panel for SERPINC1: BA1, BS2_Supporting, BP4, BP7.

Labcorp Genetics (formerly Invitae), Labcorp
Classification: Benign for Hereditary antithrombin deficiency. Last evaluated: 2026-02-04. Review status: criteria provided, single submitter. Criteria: Invitae Variant Classification Sherloc (09022015). Collection method: clinical testing. Allele origin: germline. Not counted in ClinVar's aggregate classification.

Blueprint Genetics
Classification: Benign. Last evaluated: 2024-11-26. Review status: criteria provided, single submitter. Criteria: ACMG Guidelines, 2015. Collection method: clinical testing. Allele origin: germline. Not counted in ClinVar's aggregate classification.

Genome-Nilou Lab
Classification: Benign for Hereditary antithrombin deficiency. Last evaluated: 2021-07-15. Review status: criteria provided, single submitter. Criteria: ACMG Guidelines, 2015. Collection method: clinical testing. Allele origin: germline. Affected: no. Not counted in ClinVar's aggregate classification.

GeneDx
Classification: Benign. Last evaluated: 2018-10-31. Review status: criteria provided, single submitter. Criteria: GeneDx Variant Classification Process June 2021. Collection method: clinical testing. Allele origin: germline. Affected: yes. Not counted in ClinVar's aggregate classification.

Illumina Laboratory Services, Illumina
Classification: Benign for Hereditary antithrombin deficiency. Last evaluated: 2018-01-13. Review status: criteria provided, single submitter. Criteria: ICSL Variant Classification Criteria 13 December 2019. Collection method: clinical testing. Allele origin: germline. Not counted in ClinVar's aggregate classification.
Comment: This variant was observed in the ICSL laboratory as part of a predisposition screen in an ostensibly healthy population. It had not been previously curated by ICSL or reported in the Human Gene Mutation Database (HGMD: prior to June 1st, 2018), and was therefore a candidate for classification through an automated scoring system. Utilizing variant allele frequency, disease prevalence and penetrance estimates, and inheritance mode, an automated score was calculated to assess if this variant is too frequent to cause the disease. Based on the score and internal cut-off values, a variant classified as benign is not then subjected to further curation. The score for this variant resulted in a classification of benign for this disease.

Mayo Clinic Laboratories, Mayo Clinic
Classification: Benign. Last evaluated: 2016-05-26. Review status: criteria provided, single submitter. Criteria: ACMG Guidelines, 2015. Collection method: clinical testing. Allele origin: germline. Observed: 197 variant alleles. Not counted in ClinVar's aggregate classification.

Breakthrough Genomics
Classification: Benign. Review status: criteria provided, single submitter. Criteria: ACMG Guidelines, 2015. Collection method: not provided. Allele origin: germline. Inheritance: Autosomal dominant inheritance. Affected: yes. Not counted in ClinVar's aggregate classification.

PreventionGenetics, part of Exact Sciences
Classification: Benign. Review status: criteria provided, single submitter. Criteria: ACMG Guidelines, 2015. Collection method: clinical testing. Allele origin: germline. Not counted in ClinVar's aggregate classification.